The following is an entry in ClinVar:

ClinVar aggregate classification (germline): Uncertain significance. Review status: criteria provided, multiple submitters, no conflicts (2 of 4 stars). 3 submissions from 3 submitters: Uncertain significance (3). Last evaluated 2025-11-12.

Conditions:
Inborn genetic diseases. Identifiers: MedGen C0950123, MeSH D030342.
Intellectual developmental disorder, autosomal dominant 43. Also called: Intellectual disability, autosomal dominant 43. Identifiers: MedGen C4707429, MONDO:0014858, OMIM 616977.

Allele frequency attached by ClinVar (database versions not stated): gnomAD exomes below 0.00001; TOPMed 0.00002; gnomAD 0.00001.

Submissions (3):

Labcorp Genetics (formerly Invitae), Labcorp
Classification: Uncertain significance. Last evaluated: 2025-11-12. Review status: criteria provided, single submitter. Criteria: Invitae Variant Classification Sherloc (09022015). Collection method: clinical testing. Allele origin: germline.
Comment: This sequence change replaces lysine, which is basic and polar, with methionine, which is neutral and non-polar, at codon 1717 of the HIVEP2 protein (p.Lys1717Met). This variant is not present in population databases (gnomAD no frequency). This variant has not been reported in the literature in individuals affected with HIVEP2-related conditions. ClinVar contains an entry for this variant (Variation ID: 1696637). Invitae Evidence Modeling of protein sequence and biophysical properties (such as structural, functional, and spatial information, amino acid conservation, physicochemical variation, residue mobility, and thermodynamic stability) indicates that this missense variant is expected to disrupt HIVEP2 protein function with a positive predictive value of 80%. In summary, the available evidence is currently insufficient to determine the role of this variant in disease. Therefore, it has been classified as a Variant of Uncertain Significance.

Ambry Genetics
Classification: Uncertain significance for Inborn genetic diseases. Last evaluated: 2025-06-30. Review status: criteria provided, single submitter. Criteria: Ambry Variant Classification Scheme 2023. Collection method: clinical testing. Allele origin: germline.

New York Genome Center
Classification: Uncertain significance for Intellectual developmental disorder, autosomal dominant 43. Last evaluated: 2021-09-17. Review status: criteria provided, single submitter. Criteria: NYGC Assertion Criteria 2020. Collection method: clinical testing. Allele origin: germline. Observed: 1 heterozygote. Study: CSER-NYCKidSeq.
Comment: The c.5150A>T (p.Lys1717Met) variant identified in the HIVEP2 gene substitutes a well conserved Lysine for Methionine at amino acid 1717/2447 (exon5/10). This variant is found with low frequency in gnomAD(v3.1.1)(2 heterozygotes, 0 homozygotes; allele frequency:1.31e-5) suggesting it is not a common benign variant in the populations represented in that database. In silico algorithms predict this variant to be Damaging (SIFT; score:0.008) and Benign (REVEL; score:0.2759) to the function of the canonical transcript. This variant is absent from ClinVar and to our current knowledge has not been reported in affected individuals in the literature. The p.Lys1717 residue is not within a mapped domain of HIVEP1 (UniProtKB:P15822). Given the lack of compelling evidence for its pathogenicity, the c.5150A>T (p.Lys1717Met) variant identified in the HIVEP2 gene is reported as a Variant of Uncertain Significance.

NM_006734.4(HIVEP2):c.5150A>T (p.Lys1717Met)

Gene: HIVEP2 (HIVEP zinc finger 2; minus strand). Cytogenetic location: 6q24.2.
Variant type: single nucleotide variant.
Coding change: c.5150A>T on transcript NM_006734.4 (MANE Select); coding-DNA position 5150, A replaced by T.
Protein change: p.Lys1717Met; replaces lysine 1717 with methionine.
Molecular consequence: missense variant.
Genome position (GRCh38, 1-based): chr6:142,769,589, T>A on the plus strand (A>T on the coding strand, the complement: HIVEP2 is on the minus strand). VCF-style: chr6-142769589-T-A. GRCh37 (hg19) VCF-style: chr6-143090726-T-A.
Other names: c.5150A>T (NM_006734.3); short protein forms K1717M.
Identifiers: ClinVar variation 1696637 (VCV001696637.3), dbSNP rs1775466922, ClinGen allele CA365894482.
Genomic context (GRCh38, chr6:142,769,589, plus strand): 5'-CTTCCTAAAACAGTATTTGTTACCTGAGTAAACTGCTTCCAAGCACTTGATGATGTAAGC[T>A]TGCCGGTTCCAGGCCTATGCATAGCAGCCAGAGTATAAATTTCTGCAGTGATTTTTTGCT-3'
Protein context (NP_006725.3, residues 1707-1727): LAAMHRPGTG[Lys1717Met]LTSSSAWKQF